The following is an entry in ClinVar:

ClinVar aggregate classification (germline): Uncertain significance. Review status: criteria provided, multiple submitters, no conflicts (2 of 4 stars). 2 submissions from 2 submitters: Uncertain significance (2). Last evaluated 2026-07-07.

Conditions:
Hereditary cancer-predisposing syndrome. Also called: Hereditary neoplastic syndrome; Hereditary Cancer Syndrome; Neoplastic Syndromes, Hereditary; Tumor predisposition. Identifiers: Orphanet 140162, MedGen C0027672, MeSH D009386, MONDO:0015356.
Colorectal cancer. Also called: Colorectal cancer, somatic; Malignant Colorectal Neoplasm. Identifiers: MedGen C0346629, MONDO:0005575, OMIM 114500.

Allele frequency attached by ClinVar (database versions not stated): TOPMed 0.00001.

Submissions (2):

Ambry Genetics
Classification: Uncertain significance for Hereditary cancer-predisposing syndrome. Last evaluated: 2026-07-07. Review status: criteria provided, single submitter. Criteria: Ambry Variant Classification Scheme 2023. Collection method: clinical testing. Allele origin: germline.
Comment: The p.S16N variant (also known as c.47G>A), located in coding exon 1 of the AXIN2 gene, results from a G to A substitution at nucleotide position 47. The serine at codon 16 is replaced by asparagine, an amino acid with highly similar properties. This amino acid position is conserved. In addition, this alteration is predicted to be tolerated by in silico analysis. Based on the available evidence, the clinical significance of this variant remains unclear.

Baylor Genetics
Classification: Uncertain significance for Colorectal cancer. Last evaluated: 2023-05-24. Review status: criteria provided, single submitter. Criteria: ACMG Guidelines, 2015. Collection method: clinical testing. Allele origin: unknown.

NM_004655.4(AXIN2):c.47G>A (p.Ser16Asn)

Gene: AXIN2 (axin 2; minus strand). Cytogenetic location: 17q24.1.
Variant type: single nucleotide variant.
Coding change: c.47G>A on transcript NM_004655.4 (MANE Select); coding-DNA position 47, G replaced by A.
Protein change: p.Ser16Asn; replaces serine 16 with asparagine.
Molecular consequence: missense variant.
Genome position (GRCh38, 1-based): chr17:65,558,574, C>T on the plus strand (G>A on the coding strand, the complement: AXIN2 is on the minus strand). VCF-style: chr17-65558574-C-T. GRCh37 (hg19) VCF-style: chr17-63554692-C-T.
Other names: c.47G>A, p.Ser16Asn (NM_001363813.1); short protein forms S16N.
Identifiers: ClinVar variation 2679880 (VCV002679880.2), dbSNP rs2044311701, ClinGen allele CA400682381.